The following is an entry in ClinVar:

ClinVar aggregate classification (germline): Uncertain significance (1 of 4 stars; one submission).

Conditions:
Early-infantile DEE. Also called: Early infantile epileptic encephalopathy with suppression bursts; Early infantile epileptic encephalopathy; Ohtahara syndrome. Identifiers: Orphanet 1934, MedGen C0393706, MONDO:0800491.

Allele frequency attached by ClinVar (database versions not stated): gnomAD exomes below 0.00001.
gnomAD v4.1: 1 of 1,613,696 alleles (0.000062%); highest among the groups gnomAD compares: Admixed American, 0.0017%; no homozygotes.

Submission:

Labcorp Genetics (formerly Invitae), Labcorp
Classification: Uncertain significance for Early-infantile DEE. Last evaluated: 2022-03-18. Review status: criteria provided, single submitter. Criteria: Invitae Variant Classification Sherloc (09022015). Collection method: clinical testing. Allele origin: germline.
Comment: This variant has not been reported in the literature in individuals affected with SCN1A-related conditions. This sequence change replaces lysine, which is basic and polar, with glutamic acid, which is acidic and polar, at codon 1142 of the SCN1A protein (p.Lys1142Glu). This variant is not present in population databases (gnomAD no frequency). Advanced modeling of protein sequence and biophysical properties (such as structural, functional, and spatial information, amino acid conservation, physicochemical variation, residue mobility, and thermodynamic stability) performed at Invitae indicates that this missense variant is not expected to disrupt SCN1A protein function. In summary, the available evidence is currently insufficient to determine the role of this variant in disease. Therefore, it has been classified as a Variant of Uncertain Significance.

NM_001165963.4(SCN1A):c.3424A>G (p.Lys1142Glu)

Genes: SCN1A (sodium voltage-gated channel alpha subunit 1; minus strand), LOC102724058 (uncharacterized LOC102724058; plus strand). Cytogenetic location: 2q24.3.
Variant type: single nucleotide variant.
Coding change: c.3424A>G on transcript NM_001165963.4 (MANE Select); coding-DNA position 3424, A replaced by G.
Protein change: p.Lys1142Glu; replaces lysine 1142 with glutamic acid.
Molecular consequence: missense variant. On other transcripts: non-coding transcript variant (1).
Genome position (GRCh38, 1-based): chr2:166,036,053, T>C on the plus strand (A>G on the coding strand, the complement: SCN1A is on the minus strand). VCF-style: chr2-166036053-T-C. GRCh37 (hg19) VCF-style: chr2-166892563-T-C.
Other names: c.3391A>G, p.Lys1131Glu (NM_001353952.2, NM_006920.6, NM_001353949.2 and 2 more transcripts); c.3388A>G, p.Lys1130Glu (NM_001353954.2, NM_001353955.2); c.3340A>G, p.Lys1114Glu (NM_001353957.2, NM_001353958.2, NM_001165964.3); c.3337A>G, p.Lys1113Glu (NM_001353960.2); c.982A>G, p.Lys328Glu (NM_001353961.2); c.3424A>G, p.Lys1142Glu (NM_001202435.3, NM_001353948.2); short protein forms K1113E, K1131E, K328E, K1130E, K1114E, K1142E.
Identifiers: ClinVar variation 1469595 (VCV001469595.7), dbSNP rs1553540101, ClinGen allele CA349058988.
Genomic context (GRCh38, chr2:166,036,053, plus strand): 5'-TGTATATGTATATATGTATATGTATTCATACCTTCCCACACCTATAGAATCTTACCTCTT[T>C]GCTTTCTTCCAGATCCGATTCACTACTAAAGTCTTCCGTGTTTAAATTTTCAAAGTCAGA-3'
Protein context (NP_001159435.1, residues 1132-1152): FSSESDLEES[Lys1142Glu]EKLNESSSSS